The following is an entry in ClinVar:

ClinVar aggregate classification (germline): Likely benign (1 of 4 stars; one submission).

Submission:

CeGaT Center for Human Genetics Tuebingen
Classification: Likely benign. Last evaluated: 2025-11-01. Review status: criteria provided, single submitter. Criteria: CeGaT Center For Human Genetics Tuebingen Variant Classification Criteria Version 2. Collection method: clinical testing. Allele origin: germline. Affected: yes. Observed: 1 variant allele.
Comment: KDM3B: PM2:Supporting, BP4, BP7

NM_016604.4(KDM3B):c.1665C>T (p.Asp555=)

Gene: KDM3B (lysine demethylase 3B; plus strand). Cytogenetic location: 5q31.2.
Variant type: single nucleotide variant.
Coding change: c.1665C>T on transcript NM_016604.4 (MANE Select); coding-DNA position 1665, C replaced by T.
Protein change: p.Asp555=; no amino-acid change (aspartic acid 555 retained).
Molecular consequence: synonymous variant.
Genome position (GRCh38, 1-based): chr5:138,391,297, C>T. VCF-style: chr5-138391297-C-T. GRCh37 (hg19) VCF-style: chr5-137726986-C-T.
Identifiers: ClinVar variation 4535306 (VCV004535306.6).